The following is an entry in ClinVar:

ClinVar aggregate classification (germline): Uncertain significance (1 of 4 stars; one submission).

Allele frequency attached by ClinVar (database versions not stated): gnomAD 0.00001; TOPMed 0.00001; ExAC 0.00002; gnomAD exomes 0.00002.
gnomAD v4.1: 32 of 1,600,764 alleles (0.002%); highest among the groups gnomAD compares: Non-Finnish European, 0.0026%; no homozygotes.

Submission:

Labcorp Genetics (formerly Invitae), Labcorp
Classification: Uncertain significance. Last evaluated: 2022-07-11. Review status: criteria provided, single submitter. Criteria: Invitae Variant Classification Sherloc (09022015). Collection method: clinical testing. Allele origin: germline.
Comment: This sequence change replaces glycine, which is neutral and non-polar, with serine, which is neutral and polar, at codon 720 of the ADAMTSL4 protein (p.Gly720Ser). The frequency data for this variant in the population databases is considered unreliable, as metrics indicate poor data quality at this position in the gnomAD database. This variant has not been reported in the literature in individuals affected with ADAMTSL4-related conditions. ClinVar contains an entry for this variant (Variation ID: 1448086). Algorithms developed to predict the effect of missense changes on protein structure and function output the following: SIFT: "Deleterious"; PolyPhen-2: "Benign"; Align-GVGD: "Class C55". The serine amino acid residue is found in multiple mammalian species, which suggests that this missense change does not adversely affect protein function. Algorithms developed to predict the effect of sequence changes on RNA splicing suggest that this variant may create or strengthen a splice site. In summary, the available evidence is currently insufficient to determine the role of this variant in disease. Therefore, it has been classified as a Variant of Uncertain Significance.

NM_019032.6(ADAMTSL4):c.2158G>A (p.Gly720Ser)

Genes: ADAMTSL4 (ADAMTS like 4; plus strand), ADAMTSL4-AS2 (ADAMTSL4 antisense RNA 2; minus strand). Cytogenetic location: 1q21.2.
Variant type: single nucleotide variant.
Coding change: c.2158G>A on transcript NM_019032.6 (MANE Select); coding-DNA position 2158, G replaced by A.
Protein change: p.Gly720Ser; replaces glycine 720 with serine.
Molecular consequence: missense variant.
Genome position (GRCh38, 1-based): chr1:150,557,604, G>A. VCF-style: chr1-150557604-G-A. GRCh37 (hg19) VCF-style: chr1-150530080-G-A.
Other names: c.2041G>A, p.Gly681Ser (NM_001288607.2); c.2227G>A, p.Gly743Ser (NM_001288608.2); c.2158G>A, p.Gly720Ser (NM_001378596.1, NM_025008.5); short protein forms G681S, G720S, G743S.
Identifiers: ClinVar variation 1448086 (VCV001448086.3), dbSNP rs760505783, ClinGen allele CA1078550.
Genomic context (GRCh38, chr1:150,557,604, plus strand): 5'-CTGGATGAACGCAGCTGTGCCGCGGGTGCCAGGCCCCCAGCCTCCCCTGAACCCTGCCAC[G>A]GCACCCCATGCCCCCCATAGTGAGTATGGGGGAGCCCACGGGGAGGGTTAGGGTACTGGA-3'
Protein context (NP_061905.2, residues 710-730): RPPASPEPCH[Gly720Ser]TPCPPYWEAG